The following is an entry in ClinVar:

NM_001035.3(RYR2):c.7075del (p.Arg2359fs)

Gene: RYR2 (ryanodine receptor 2; plus strand). Cytogenetic location: 1q43.
Variant type: Deletion.
Coding change: c.7075del on transcript NM_001035.3 (MANE Select); coding-DNA position 7075, one base deleted (C; older notation c.7075delC).
Protein change: p.Arg2359fs; shifts the reading frame from arginine 2359.
Molecular consequence: frameshift variant.
Genome position (GRCh38, 1-based): chr1:237,639,161, C deleted; the last of 3 consecutive C bases (chr1:237,639,159-237,639,161); deleting any one gives the same sequence. VCF-style (leftmost placement, unchanged base first): chr1-237639158-TC-T. GRCh37 (hg19) VCF-style: chr1-237802458-TC-T.
Other names: short protein forms R2359fs.
Identifiers: ClinVar variation 3074568 (VCV003074568.1), dbSNP rs2546964997, ClinGen allele CA2825000949.

ClinVar aggregate classification (germline): Uncertain significance (1 of 4 stars; one submission).

Conditions:
Catecholaminergic polymorphic ventricular tachycardia (CVPT). Also called: Catecholamine-induced polymorphic ventricular tachycardia. Identifiers: Orphanet 3286, MedGen C5574922, MONDO:0017990.

Submission:

All of Us Research Program, National Institutes of Health
Classification: Uncertain significance for Catecholaminergic polymorphic ventricular tachycardia. Last evaluated: 2023-11-20. Review status: criteria provided, single submitter. Criteria: ACMG Guidelines, 2015. Collection method: clinical testing. Allele origin: germline. Inheritance: Autosomal dominant inheritance. Observed: 1 variant allele, 1 heterozygote.
Comment: This variant deletes 1 nucleotide in exon 46 of the RYR2 gene, creating a frameshift and premature translation stop signal. This variant is expected to result in an absent or non-functional protein product. To our knowledge, this variant has not been reported in individuals affected with RYR2-related disorders in the literature. This variant has not been identified in the general population by the Genome Aggregation Database (gnomAD). Clinical relevance of loss-of-function RYR2 truncation variants in autosomal dominant cardiovascular disorders is not clearly established. The available evidence is insufficient to determine the role of this variant in disease conclusively. Therefore, this variant is classified as a Variant of Uncertain Significance.

This study involves interpretation of variants in research participants for the purpose of population health screening. Participant phenotype was not available at the time of variant classification. Additional details can be found in publication PMID: 35346344, PMCID: PMC8962531